The following is an entry in ClinVar:

NM_001164508.2(NEB):c.11450G>A (p.Ser3817Asn)

Gene: NEB (nebulin; minus strand). Cytogenetic location: 2q23.3.
Variant type: single nucleotide variant.
Coding change: c.11450G>A on transcript NM_001164508.2 (MANE Select); coding-DNA position 11450, G replaced by A.
Protein change: p.Ser3817Asn; replaces serine 3817 with asparagine.
Molecular consequence: missense variant.
Genome position (GRCh38, 1-based): chr2:151,614,427, C>T on the plus strand (G>A on the coding strand, the complement: NEB is on the minus strand). VCF-style: chr2-151614427-C-T. GRCh37 (hg19) VCF-style: chr2-152470941-C-T.
Other names: c.11450G>A, p.Ser3817Asn (NM_001164507.2, NM_001271208.2); c.10721G>A, p.Ser3574Asn (NM_004543.5); short protein forms S3817N, S3574N.
Identifiers: ClinVar variation 465437 (VCV000465437.6), dbSNP rs776337697, ClinGen allele CA1908752.

ClinVar aggregate classification (germline): Uncertain significance (1 of 4 stars; one submission).

Conditions:
Nemaline myopathy 2 (NEM2). Also called: Nemaline myopathy 2, autosomal recessive. Identifiers: MedGen C1850569, MONDO:0009725, OMIM 256030.

Allele frequency attached by ClinVar (database versions not stated): gnomAD exomes below 0.00001 and 0.00001; ExAC 0.00001.
gnomAD v4.1: 9 of 1,613,908 alleles (0.00056%); highest among the groups gnomAD compares: Non-Finnish European, 0.00076%; no homozygotes.

Submission:

Labcorp Genetics (formerly Invitae), Labcorp
Classification: Uncertain significance for Nemaline myopathy 2. Last evaluated: 2021-08-26. Review status: criteria provided, single submitter. Criteria: Invitae Variant Classification Sherloc (09022015). Collection method: clinical testing. Allele origin: germline.
Comment: This sequence change replaces serine with asparagine at codon 3817 of the NEB protein (p.Ser3817Asn). The serine residue is moderately conserved and there is a small physicochemical difference between serine and asparagine. This variant is present in population databases (rs776337697, ExAC 0.001%). This variant has not been reported in the literature in individuals affected with NEB-related conditions. ClinVar contains an entry for this variant (Variation ID: 465437). Algorithms developed to predict the effect of missense changes on protein structure and function are either unavailable or do not agree on the potential impact of this missense change (SIFT: "Deleterious"; PolyPhen-2: "Not Available"; Align-GVGD: "Class C0"). In summary, the available evidence is currently insufficient to determine the role of this variant in disease. Therefore, it has been classified as a Variant of Uncertain Significance.